The following is an entry in ClinVar:

NM_001127222.2(CACNA1A):c.6030G>T (p.Gln2010His)

Gene: CACNA1A (calcium voltage-gated channel subunit alpha1 A; minus strand). Cytogenetic location: 19p13.13.
Variant type: single nucleotide variant.
Coding change: c.6030G>T on transcript NM_001127222.2 (MANE Select); coding-DNA position 6030, G replaced by T.
Protein change: p.Gln2010His; replaces glutamine 2010 with histidine.
Molecular consequence: missense variant.
Genome position (GRCh38, 1-based): chr19:13,212,651, C>A on the plus strand (G>T on the coding strand, the complement: CACNA1A is on the minus strand). VCF-style: chr19-13212651-C-A. GRCh37 (hg19) VCF-style: chr19-13323465-C-A.
Other names: c.6048G>T, p.Gln2016His (NM_000068.4, NM_023035.3); c.6033G>T, p.Gln2011His (NM_001127221.2); c.6039G>T, p.Gln2013His (NM_001174080.2); short protein forms Q2010H, Q2011H, Q2013H, Q2016H.
Identifiers: ClinVar variation 2649383 (VCV002649383.24), dbSNP rs2512536871, ClinGen allele CA404333396.

ClinVar aggregate classification (germline): Uncertain significance (1 of 4 stars; one submission).

Allele frequency attached by ClinVar (database versions not stated): gnomAD exomes below 0.00001.
gnomAD v4.1: 1 of 1,519,148 alleles (0.000066%); highest among the groups gnomAD compares: Non-Finnish European, 0.000088%; no homozygotes.

Submission:

CeGaT Center for Human Genetics Tuebingen
Classification: Uncertain significance. Last evaluated: 2022-07-01. Review status: criteria provided, single submitter. Criteria: CeGaT Center For Human Genetics Tuebingen Variant Classification Criteria Version 2. Collection method: clinical testing. Allele origin: germline. Affected: yes. Observed: 1 variant allele.
Comment: CACNA1A: PM2, PP2